The following is an entry in ClinVar:

NM_025082.4(CENPT):c.524-5G>C

Gene: CENPT (centromere protein T; minus strand). Cytogenetic location: 16q22.1.
Variant type: single nucleotide variant.
Coding change: c.524-5G>C on transcript NM_025082.4 (MANE Select); 5 bases into the intron before coding-DNA position 524, G replaced by C.
Molecular consequence: intron variant.
Genome position (GRCh38, 1-based): chr16:67,831,617, C>G on the plus strand (G>C on the coding strand, the complement: CENPT is on the minus strand). VCF-style: chr16-67831617-C-G. GRCh37 (hg19) VCF-style: chr16-67865520-C-G.
Identifiers: ClinVar variation 3030781 (VCV003030781.2), dbSNP rs2057689517, ClinGen allele CA978449698.

ClinVar aggregate classification (germline): Likely benign (0 of 4 stars; one submission).

Conditions:
CENPT-related disorder. Also called: CENPT-related condition.

Allele frequency attached by ClinVar (database versions not stated): gnomAD exomes below 0.00001; TOPMed below 0.00001; gnomAD 0.00001.
gnomAD v4.1: 5 of 1,614,004 alleles (0.00031%); highest among the groups gnomAD compares: Non-Finnish European, 0.00042%; no homozygotes.

Submission:

PreventionGenetics, part of Exact Sciences
Classification: Likely benign for CENPT-related condition. Last evaluated: 2020-12-08. Review status: no assertion criteria provided. Collection method: clinical testing. Allele origin: germline.
Comment: This variant is classified as likely benign based on ACMG/AMP sequence variant interpretation guidelines (Richards et al. 2015 PMID: 25741868, with internal and published modifications).